The following is an entry in ClinVar:

NM_000051.4(ATM):c.2489T>C (p.Phe830Ser)

Gene: ATM (ATM serine/threonine kinase; plus strand). Cytogenetic location: 11q22.3.
Variant type: single nucleotide variant.
Coding change: c.2489T>C on transcript NM_000051.4 (MANE Select); coding-DNA position 2489, T replaced by C.
Protein change: p.Phe830Ser; replaces phenylalanine 830 with serine.
Molecular consequence: missense variant.
Genome position (GRCh38, 1-based): chr11:108,267,193, T>C. VCF-style: chr11-108267193-T-C. GRCh37 (hg19) VCF-style: chr11-108137920-T-C.
Other names: c.2489T>C, p.Phe830Ser (NM_001351834.2); short protein forms F830S.
Identifiers: ClinVar variation 1433188 (VCV001433188.13), dbSNP rs773582901, ClinGen allele CA6265048.
Genomic context (GRCh38, chr11:108,267,193, plus strand): 5'-GAAGCCATCTTGAACATCTTTGTTTCTCTTCCTTGAAGGCATCCTTCATCAAAAAGCCAT[T>C]TGACCGTGGAGAAGTAGAATCAATGGAAGATGATACTAATGGAAATCTAATGGAGGTGGA-3'
Protein context (NP_000042.3, residues 820-840): KSLASFIKKP[Phe830Ser]DRGEVESMED

ClinVar aggregate classification (germline): Conflicting classifications of pathogenicity. Review status: criteria provided, conflicting classifications (1 of 4 stars). 3 submissions from 3 submitters: Uncertain significance (2); Likely benign (1). Last evaluated 2025-02-17.

Conditions:
Hereditary cancer-predisposing syndrome. Also called: Neoplastic Syndromes, Hereditary; Hereditary Cancer Syndrome; Tumor predisposition; Hereditary neoplastic syndrome. Identifiers: Orphanet 140162, MedGen C0027672, MeSH D009386, MONDO:0015356.
Ataxia-telangiectasia syndrome (AT). Also called: ATAXIA-TELANGIECTASIA, FRESNO VARIANT; ATAXIA-TELANGIECTASIA, COMPLEMENTATION GROUP A; Ataxia-telangiectasia, complementation group D; AT, COMPLEMENTATION GROUP C; Ataxia telangiectasia (A-T); LOUIS-BAR SYNDROME. Identifiers: Orphanet 100, MedGen C0004135, MONDO:0008840, OMIM 208900.

Allele frequency attached by ClinVar (database versions not stated): gnomAD exomes below 0.00001; ExAC 0.00001.
gnomAD v4.1: 1 of 1,614,116 alleles (0.000062%); no homozygotes.

Submissions (3):

Labcorp Genetics (formerly Invitae), Labcorp
Classification: Uncertain significance for Ataxia-telangiectasia syndrome. Last evaluated: 2025-02-17. Review status: criteria provided, single submitter. Criteria: Invitae Variant Classification Sherloc (09022015). Collection method: clinical testing. Allele origin: germline.
Comment: This sequence change replaces phenylalanine, which is neutral and non-polar, with serine, which is neutral and polar, at codon 830 of the ATM protein (p.Phe830Ser). This variant is present in population databases (rs773582901, gnomAD 0.004%). This variant has not been reported in the literature in individuals affected with ATM-related conditions. ClinVar contains an entry for this variant (Variation ID: 1433188). Invitae Evidence Modeling of protein sequence and biophysical properties (such as structural, functional, and spatial information, amino acid conservation, physicochemical variation, residue mobility, and thermodynamic stability) indicates that this missense variant is not expected to disrupt ATM protein function with a negative predictive value of 95%. In summary, the available evidence is currently insufficient to determine the role of this variant in disease. Therefore, it has been classified as a Variant of Uncertain Significance.

Ambry Genetics
Classification: Likely benign for Hereditary cancer-predisposing syndrome. Last evaluated: 2024-12-03. Review status: criteria provided, single submitter. Criteria: Ambry Variant Classification Scheme 2023. Collection method: clinical testing. Allele origin: germline.

Color Diagnostics, LLC DBA Color Health
Classification: Uncertain significance for Hereditary cancer-predisposing syndrome. Last evaluated: 2024-03-06. Review status: criteria provided, single submitter. Criteria: ACMG Guidelines, 2015. Collection method: clinical testing. Allele origin: germline.
Comment: This missense variant replaces phenylalanine with serine at codon 830 of the ATM protein. Computational prediction suggests that this variant may not impact protein structure and function (internally defined REVEL score threshold <= 0.5, PMID: 27666373). To our knowledge, functional studies have not been reported for this variant. This variant has not been reported in individuals affected with hereditary cancer in the literature. This variant has not been identified in the general population by the Genome Aggregation Database (gnomAD). The available evidence is insufficient to determine the role of this variant in disease conclusively. Therefore, this variant is classified as a Variant of Uncertain Significance.